The following is an entry in ClinVar:

NC_012920.1(MT-CO3):m.9765A>G

Gene: MT-CO3 (mitochondrially encoded cytochrome c oxidase III; plus strand).
Variant type: single nucleotide variant.
Genome position: chrM-9765-A-G.
Identifiers: ClinVar variation 693223 (VCV000693223.1), dbSNP rs1603222489, ClinGen allele CA414803661.

ClinVar aggregate classification (germline): Uncertain significance (1 of 4 stars; one submission).

Conditions:
Leigh syndrome (NULS). Also called: Leigh's necrotizing encephalopathy; Leigh's disease; Leigh Syndrome (mtDNA deletion); Leigh Disease; Subacute necrotizing encephalopathy; Necrotizing encephalopathy infantile subacute of Leigh. Identifiers: Orphanet 506, MedGen C2931891, MONDO:0009723, OMIM 256000.

Submission:

Wong Mito Lab, Molecular and Human Genetics, Baylor College of Medicine
Classification: Uncertain significance for Leigh syndrome. Last evaluated: 2019-10-17. Review status: criteria provided, single submitter. Criteria: Modified ACMG Guidelines (Unpublished). Collection method: clinical testing. Allele origin: germline.
Comment: The NC_012920.1:m.9765A>G (YP_003024032.1:p.Thr187Ala) variant in MTCO3 gene is interpretated to be a Uncertain Significance variant based on the modified ACMG guidelines (unpublished). This variant meets the following evidence codes: BP4